The following is an entry in ClinVar:

NM_153700.2(STRC):c.3702G>A (p.Glu1234=)

Gene: STRC (stereocilin; minus strand). Cytogenetic location: 15q15.3.
Variant type: single nucleotide variant.
Coding change: c.3702G>A on transcript NM_153700.2 (MANE Select); coding-DNA position 3702, G replaced by A.
Protein change: p.Glu1234=; no amino-acid change (glutamic acid 1234 retained).
Molecular consequence: synonymous variant.
Genome position (GRCh38, 1-based): chr15:43,607,955, C>T on the plus strand (G>A on the coding strand, the complement: STRC is on the minus strand). VCF-style: chr15-43607955-C-T. GRCh37 (hg19) VCF-style: chr15-43900153-C-T.
Other names: p.Glu1234=.
Identifiers: ClinVar variation 165313 (VCV000165313.9), dbSNP rs62018890, ClinGen allele CA178053.

ClinVar aggregate classification (germline): Benign. Review status: criteria provided, multiple submitters, no conflicts (2 of 4 stars). 5 submissions from 5 submitters: Benign (5). Last evaluated 2021-07-15.

Conditions:
Autosomal recessive nonsyndromic hearing loss 16. Also called: DFNB16 Nonsyndromic Hearing Loss and Deafness; DEAFNESS, AUTOSOMAL RECESSIVE 16. Identifiers: Orphanet 90636, MedGen C1863561, MONDO:0011364, OMIM 603720.

Allele frequency attached by ClinVar (database versions not stated): ExAC 0.14923; gnomAD exomes 0.16841 and 0.14696; 1000 Genomes Project 30x 0.13070; TOPMed 0.15618; gnomAD 0.15683 and 0.15544; 1000 Genomes Project 0.12839; ESP Exome Variant Server 0.17427.
gnomAD v4.1: 268,882 of 1,608,708 alleles (17%); highest among the groups gnomAD compares: Middle Eastern, 25%; 28,113 homozygotes.

Submissions (5):

Genome-Nilou Lab
Classification: Benign for Autosomal recessive nonsyndromic hearing loss 16. Last evaluated: 2021-07-15. Review status: criteria provided, single submitter. Criteria: ACMG Guidelines, 2015. Collection method: clinical testing. Allele origin: germline. Affected: no.

Mayo Clinic Laboratories, Mayo Clinic
Classification: Benign. Last evaluated: 2021-04-29. Review status: criteria provided, single submitter. Criteria: ACMG Guidelines, 2015. Collection method: clinical testing. Allele origin: germline. Observed: 47 variant alleles.

GeneDx
Classification: Benign. Last evaluated: 2017-05-09. Review status: criteria provided, single submitter. Criteria: GeneDx Variant Classification (06012015). Collection method: clinical testing. Allele origin: germline. Affected: yes.
Comment: This variant is considered likely benign or benign based on one or more of the following criteria: it is a conservative change, it occurs at a poorly conserved position in the protein, it is predicted to be benign by multiple in silico algorithms, and/or has population frequency not consistent with disease.

Laboratory for Molecular Medicine, Mass General Brigham Personalized Medicine
Classification: Benign. Last evaluated: 2012-05-07. Review status: criteria provided, single submitter. Criteria: LMM Criteria. Collection method: clinical testing. Allele origin: germline. Observed: 414 variant alleles.
Comment: "Glu1234Glu in Exon 18 of STRC: This variant is not expected to have clinical si gnificance because it does not alter an amino acid residue, is not located withi n the splice consensus sequence, and has been identified in 18.4% (1291/7014) of European American chromosomes from a broad population by the NHLBI Exome Sequen cing Project (dbSNP rs150548868)."

Breakthrough Genomics
Classification: Benign. Review status: criteria provided, single submitter. Criteria: ACMG Guidelines, 2015. Collection method: not provided. Allele origin: germline. Inheritance: Autosomal recessive inheritance. Affected: yes.